The following is an entry in ClinVar:

ClinVar aggregate classification (germline): Uncertain significance (1 of 4 stars; one submission).

Conditions:
Hereditary cancer-predisposing syndrome. Also called: Hereditary Cancer Syndrome; Hereditary neoplastic syndrome; Neoplastic Syndromes, Hereditary; Tumor predisposition. Identifiers: Orphanet 140162, MedGen C0027672, MeSH D009386, MONDO:0015356.

Submission:

Ambry Genetics
Classification: Uncertain significance for Hereditary cancer-predisposing syndrome. Last evaluated: 2025-07-07. Review status: criteria provided, single submitter. Criteria: Ambry Variant Classification Scheme 2023. Collection method: clinical testing. Allele origin: germline.
Comment: The p.A621T variant (also known as c.1861G>A), located in coding exon 10 of the ALK gene, results from a G to A substitution at nucleotide position 1861. The alanine at codon 621 is replaced by threonine, an amino acid with similar properties. This amino acid position is conserved. In addition, this alteration is predicted to be tolerated by in silico analysis. Based on the available evidence, the clinical significance of this variant remains unclear.

NM_004304.5(ALK):c.1861G>A (p.Ala621Thr)

Gene: ALK (ALK receptor tyrosine kinase; minus strand). Cytogenetic location: 2p23.2.
Variant type: single nucleotide variant.
Coding change: c.1861G>A on transcript NM_004304.5 (MANE Select); coding-DNA position 1861, G replaced by A.
Protein change: p.Ala621Thr; replaces alanine 621 with threonine.
Molecular consequence: missense variant.
Genome position (GRCh38, 1-based): chr2:29,275,453, C>T on the plus strand (G>A on the coding strand, the complement: ALK is on the minus strand). VCF-style: chr2-29275453-C-T. GRCh37 (hg19) VCF-style: chr2-29498319-C-T.
Other names: short protein forms A621T.
Identifiers: ClinVar variation 4271740 (VCV004271740.1).
Genomic context (GRCh38, chr2:29,275,453, plus strand): 5'-TGAACTCACTGGTGAGGTAGCAGTCCAGGCTGATGGAGATATTGTCAAAAGCCACGATGG[C>T]TCTGGATCCTTGTCCCCACCATGCGACCATCTGCAGCCAGAACCTGTACACATCAAGAGG-3'
Protein context (NP_004295.2, residues 611-631): MVAWWGQGSR[Ala621Thr]IVAFDNISIS